The following is an entry in ClinVar:

NM_130839.5(UBE3A):c.238T>C (p.Cys80Arg)

Genes: SNHG14 (small nucleolar RNA host gene 14; plus strand), UBE3A (ubiquitin protein ligase E3A; minus strand). Cytogenetic location: 15q11.2.
Variant type: single nucleotide variant.
Coding change: c.238T>C on transcript NM_130839.5 (MANE Select); coding-DNA position 238, T replaced by C.
Protein change: p.Cys80Arg; replaces cysteine 80 with arginine.
Molecular consequence: missense variant. On other transcripts: non-coding transcript variant (1).
Genome position (GRCh38, 1-based): chr15:25,375,588, A>G on the plus strand (T>C on the coding strand, the complement: UBE3A is on the minus strand). VCF-style: chr15-25375588-A-G. GRCh37 (hg19) VCF-style: chr15-25620735-A-G.
Other names: c.178T>C, p.Cys60Arg (NM_001354539.2, NM_001354540.2, NM_001354541.2 and 18 more transcripts); c.238T>C, p.Cys80Arg (NM_001354545.2, NM_001354550.2, NM_001354505.1 and 1 more transcripts); c.61T>C, p.Cys21Arg (NM_001354546.2); c.247T>C, p.Cys83Arg (NM_000462.5); short protein forms C21R, C60R, C80R, C83R.
Identifiers: ClinVar variation 1066645 (VCV001066645.7), dbSNP rs2152848080, ClinGen allele CA391356322.

ClinVar aggregate classification (germline): Likely pathogenic (1 of 4 stars; one submission).

Conditions:
Angelman syndrome (AS). Also called: HAPPY PUPPET SYNDROME. Identifiers: Orphanet 72, MedGen C0162635, MONDO:0007113, OMIM 105830. Disease mechanism: loss of function. Inheritance: imprinting disorder, AS is caused by disruption of maternally imprinted UBE3A located within the 15q11.2-q13 Angelman syndrome/Prader-Willi syndrome (AS/PWS) region..

Submission:

Labcorp Genetics (formerly Invitae), Labcorp
Classification: Likely pathogenic for Angelman syndrome. Last evaluated: 2020-06-02. Review status: criteria provided, single submitter. Criteria: Invitae Variant Classification Sherloc (09022015). Collection method: clinical testing. Allele origin: germline.
Comment: Algorithms developed to predict the effect of missense changes on protein structure and function are either unavailable or do not agree on the potential impact of this missense change (SIFT: "Not Available"; PolyPhen-2: "Probably Damaging"; Align-GVGD: "Not Available"). This variant has been observed in individual(s) with clinical features of Angelman syndrome (Invitae). In at least one individual the variant was observed to be de novo. This variant is not present in population databases (ExAC no frequency). This sequence change replaces cysteine with arginine at codon 60 of the UBE3A protein (p.Cys60Arg). The cysteine residue is highly conserved and there is a large physicochemical difference between cysteine and arginine. In summary, the currently available evidence indicates that the variant is pathogenic, but additional data are needed to prove that conclusively. Therefore, this variant has been classified as Likely Pathogenic.